The following is an entry in ClinVar:

ClinVar aggregate classification (germline): Uncertain significance (1 of 4 stars; one submission).

Allele frequency attached by ClinVar (database versions not stated): gnomAD exomes below 0.00001.
gnomAD v4.1: 1 of 1,612,842 alleles (0.000062%); highest among the groups gnomAD compares: Non-Finnish European, 0.000085%; no homozygotes.

Submission:

Ambry Genetics
Classification: Uncertain significance. Last evaluated: 2023-11-19. Review status: criteria provided, single submitter. Criteria: Ambry Variant Classification Scheme 2023. Collection method: clinical testing. Allele origin: germline.
Comment: The p.L202P variant (also known as c.605T>C), located in coding exon 1 of the EGLN2 gene, results from a T to C substitution at nucleotide position 605. The leucine at codon 202 is replaced by proline, an amino acid with similar properties. This amino acid position is conserved. In addition, the in silico prediction for this alteration is inconclusive. Since supporting evidence is limited at this time, the clinical significance of this alteration remains unclear.

NM_080732.4(EGLN2):c.605T>C (p.Leu202Pro)

Genes: EGLN2 (egl-9 family hypoxia inducible factor 2; plus strand), RAB4B-EGLN2 (RAB4B-EGLN2 readthrough (NMD candidate); plus strand). Cytogenetic location: 19q13.2.
Variant type: single nucleotide variant.
Coding change: c.605T>C on transcript NM_080732.4 (MANE Select); coding-DNA position 605, T replaced by C.
Protein change: p.Leu202Pro; replaces leucine 202 with proline.
Molecular consequence: missense variant. On other transcripts: non-coding transcript variant (1).
Genome position (GRCh38, 1-based): chr19:40,801,177, T>C. VCF-style: chr19-40801177-T-C. GRCh37 (hg19) VCF-style: chr19-41307082-T-C.
Other names: c.605T>C, p.Leu202Pro (NM_053046.4); short protein forms L202P.
Identifiers: ClinVar variation 3229012 (VCV003229012.1), dbSNP rs2515994824, ClinGen allele CA405955611.